The following is an entry in ClinVar:

NM_030662.4(MAP2K2):c.924C>G (p.His308Gln)

Gene: MAP2K2 (mitogen-activated protein kinase kinase 2; minus strand). Cytogenetic location: 19p13.3.
Variant type: single nucleotide variant.
Coding change: c.924C>G on transcript NM_030662.4 (MANE Select); coding-DNA position 924, C replaced by G.
Protein change: p.His308Gln; replaces histidine 308 with glutamine.
Molecular consequence: missense variant.
Genome position (GRCh38, 1-based): chr19:4,097,339, G>C on the plus strand (C>G on the coding strand, the complement: MAP2K2 is on the minus strand). VCF-style: chr19-4097339-G-C. GRCh37 (hg19) VCF-style: chr19-4097337-G-C.
Other names: short protein forms H308Q.
Identifiers: ClinVar variation 2754421 (VCV002754421.3), dbSNP rs768099163, ClinGen allele CA403384741.
Genomic context (GRCh38, chr19:4,097,339, plus strand): 5'-CTCGTTCACAATATAGTCCAGGAGTTCAAAGATGGCCATGGCAGGCCGGCTATCCATCCC[G>C]TGACCTGCACAGGGAGAGAGATGGAGGTGAGATGGGCCGATGGCCACCTCACTTCTGCTG-3'
Protein context (NP_109587.1, residues 298-318): PRPPGRPVSG[His308Gln]GMDSRPAMAI

ClinVar aggregate classification (germline): Uncertain significance (1 of 4 stars; one submission).

Conditions:
RASopathy. Also called: Noonan spectrum disorder; rasopathies. Identifiers: Orphanet 536391, MedGen C5555857, MONDO:0021060.

Submission:

Labcorp Genetics (formerly Invitae), Labcorp
Classification: Uncertain significance for RASopathy. Last evaluated: 2025-02-24. Review status: criteria provided, single submitter. Criteria: Invitae Variant Classification Sherloc (09022015). Collection method: clinical testing. Allele origin: germline.
Comment: This sequence change replaces histidine, which is basic and polar, with glutamine, which is neutral and polar, at codon 308 of the MAP2K2 protein (p.His308Gln). This variant is not present in population databases (gnomAD no frequency). This variant has not been reported in the literature in individuals affected with MAP2K2-related conditions. ClinVar contains an entry for this variant (Variation ID: 2754421). Invitae Evidence Modeling of protein sequence and biophysical properties (such as structural, functional, and spatial information, amino acid conservation, physicochemical variation, residue mobility, and thermodynamic stability) indicates that this missense variant is not expected to disrupt MAP2K2 protein function with a negative predictive value of 95%. In summary, the available evidence is currently insufficient to determine the role of this variant in disease. Therefore, it has been classified as a Variant of Uncertain Significance.